The following is an entry in ClinVar:

NM_004168.4(SDHA):c.1073G>C (p.Gly358Ala)

Gene: SDHA (succinate dehydrogenase complex flavoprotein subunit A; plus strand). Cytogenetic location: 5p15.33.
Variant type: single nucleotide variant.
Coding change: c.1073G>C on transcript NM_004168.4 (MANE Select); coding-DNA position 1073, G replaced by C.
Protein change: p.Gly358Ala; replaces glycine 358 with alanine.
Molecular consequence: missense variant.
Genome position (GRCh38, 1-based): chr5:235,152, G>C. VCF-style: chr5-235152-G-C. GRCh37 (hg19) VCF-style: chr5-235267-G-C.
Other names: c.929G>C, p.Gly310Ala (NM_001294332.2); c.1073G>C, p.Gly358Ala (NM_001330758.2); short protein forms G310A, G358A.
Identifiers: ClinVar variation 4789755 (VCV004789755.1).

ClinVar aggregate classification (germline): Uncertain significance (1 of 4 stars; one submission).

Conditions:
Mitochondrial complex II deficiency, nuclear type 1. Also called: SUCCINATE CoQ REDUCTASE DEFICIENCY. Identifiers: Orphanet 3208, MedGen C5700310, MONDO:0100294, OMIM 252011.
Pheochromocytoma/paraganglioma syndrome 5. Also called: Paragangliomas 5; SDHA-Related Hereditary Paraganglioma-Pheochromocytoma Syndrome. Identifiers: Orphanet 29072, MedGen C3279992, MONDO:0013602, OMIM 614165.

Submission:

Labcorp Genetics (formerly Invitae), Labcorp
Classification: Uncertain significance for Pheochromocytoma/paraganglioma syndrome 5; Mitochondrial complex II deficiency, nuclear type 1. Last evaluated: 2025-08-06. Review status: criteria provided, single submitter. Criteria: Invitae Variant Classification Sherloc (09022015). Collection method: clinical testing. Allele origin: germline.
Comment: This sequence change replaces glycine, which is neutral and non-polar, with alanine, which is neutral and non-polar, at codon 358 of the SDHA protein (p.Gly358Ala). This variant is not present in population databases (gnomAD no frequency). This variant has not been reported in the literature in individuals affected with SDHA-related conditions. Invitae Evidence Modeling of protein sequence and biophysical properties (such as structural, functional, and spatial information, amino acid conservation, physicochemical variation, residue mobility, and thermodynamic stability) indicates that this missense variant is not expected to disrupt SDHA protein function with a negative predictive value of 95%. In summary, the available evidence is currently insufficient to determine the role of this variant in disease. Therefore, it has been classified as a Variant of Uncertain Significance.